The following is an entry in ClinVar:

ClinVar aggregate classification (germline): Likely benign (1 of 4 stars; one submission).

Allele frequency attached by ClinVar (database versions not stated): gnomAD exomes below 0.00001; ExAC 0.00002; gnomAD 0.00002.
gnomAD v4.1: 4 of 1,191,186 alleles (0.00034%); highest among the groups gnomAD compares: Non-Finnish European, 0.00045%; no homozygotes.

Submission:

CeGaT Center for Human Genetics Tuebingen
Classification: Likely benign. Last evaluated: 2023-04-01. Review status: criteria provided, single submitter. Criteria: CeGaT Center For Human Genetics Tuebingen Variant Classification Criteria Version 2. Collection method: clinical testing. Allele origin: germline. Affected: yes. Observed: 1 variant allele.
Comment: DIPK2B: BP4, BP7

NM_176819.4(DIPK2B):c.675C>A (p.Ile225=)

Gene: DIPK2B (divergent protein kinase domain 2B; minus strand). Cytogenetic location: Xp11.3.
Variant type: single nucleotide variant.
Coding change: c.675C>A on transcript NM_176819.4 (MANE Select); coding-DNA position 675, C replaced by A.
Protein change: p.Ile225=; no amino-acid change (isoleucine 225 retained).
Molecular consequence: synonymous variant.
Genome position (GRCh38, 1-based): chrX:45,154,196, G>T on the plus strand (C>A on the coding strand, the complement: DIPK2B is on the minus strand). VCF-style: chrX-45154196-G-T. GRCh37 (hg19) VCF-style: chrX-45013441-G-T.
Identifiers: ClinVar variation 2660375 (VCV002660375.24), dbSNP rs772559708, ClinGen allele CA10392931.
Genomic context (GRCh38, chrX:45,154,196, plus strand): 5'-GAGGAATCTGCCACAGGAGCCCAGGTACTTGGGCAGCGGCCATCCCTCAGCCCCAGGGAA[G>T]ATCTGCCAAGCCAGAAGGAGGAGGATTAGAGAGAAAAATCTGGTGACAGCTCTCTATCTG-3'
Protein context (NP_789789.2, residues 215-235): AVNSHPILLQ[Ile225=]FPGAEGWPLP